The following is an entry in ClinVar:

NM_020975.6(RET):c.*1430A>G

Gene: RET (ret proto-oncogene; plus strand). Cytogenetic location: 10q11.21.
Variant type: single nucleotide variant.
Coding change: c.*1430A>G on transcript NM_020975.6 (MANE Select); 1430 bases downstream of the stop codon, A replaced by G.
Molecular consequence: 3 prime UTR variant.
Genome position (GRCh38, 1-based): chr10:43,129,699, A>G. VCF-style: chr10-43129699-A-G. GRCh37 (hg19) VCF-style: chr10-43625147-A-G.
Identifiers: ClinVar variation 878562 (VCV000878562.36), dbSNP rs775114955, ClinGen allele CA206268468.

ClinVar aggregate classification (germline): Conflicting classifications of pathogenicity. Review status: criteria provided, conflicting classifications (1 of 4 stars). 5 submissions from 2 submitters: Uncertain significance (4); Likely benign (1). Last evaluated 2023-01-01.

Conditions:
Hirschsprung disease, susceptibility to, 1 (HSCR1). Also called: RET-Related Hirschsprung Disease. Identifiers: Orphanet 388, MedGen C3888239, MONDO:0007723, OMIM 142623.
Pheochromocytoma. Also called: MAX-Related Hereditary Paraganglioma-Pheochromocytoma Syndrome. Identifiers: Orphanet 29072, MedGen C0031511, MONDO:0008233, OMIM 171300, HP:0002666.
Multiple endocrine neoplasia. Identifiers: Orphanet 276161, MedGen C0027662, MONDO:0017169.
Renal hypodysplasia/aplasia 1 (RHDA1). Also called: HEREDITARY RENAL APLASIA; RENAL APLASIA. Identifiers: Orphanet 411709, MedGen C1619700, MONDO:0024519, OMIM 191830.

Allele frequency attached by ClinVar (database versions not stated): 1000 Genomes Project 30x 0.00016; gnomAD 0.00053 and 0.00057; TOPMed 0.00053; gnomAD exomes 0.00092.
gnomAD v4.1: 271 of 350,888 alleles (0.077%); highest among the groups gnomAD compares: Middle Eastern, 0.43%; 3 homozygotes.

Submissions (5):

CeGaT Center for Human Genetics Tuebingen
Classification: Likely benign. Last evaluated: 2023-01-01. Review status: criteria provided, single submitter. Criteria: CeGaT Center For Human Genetics Tuebingen Variant Classification Criteria Version 2. Collection method: clinical testing. Allele origin: germline. Affected: yes. Observed: 4 variant alleles.
Comment: RET: BS1

Illumina Laboratory Services, Illumina
Classification: Uncertain significance for Hirschsprung disease, susceptibility to, 1. Last evaluated: 2018-01-13. Review status: criteria provided, single submitter. Criteria: ICSL Variant Classification Criteria 13 December 2019. Collection method: clinical testing. Allele origin: germline.

Illumina Laboratory Services, Illumina
Classification: Uncertain significance for Pheochromocytoma. Last evaluated: 2018-01-13. Review status: criteria provided, single submitter. Criteria: ICSL Variant Classification Criteria 13 December 2019. Collection method: clinical testing. Allele origin: germline.

Illumina Laboratory Services, Illumina
Classification: Uncertain significance for Multiple endocrine neoplasia. Last evaluated: 2018-01-13. Review status: criteria provided, single submitter. Criteria: ICSL Variant Classification Criteria 13 December 2019. Collection method: clinical testing. Allele origin: germline.

Illumina Laboratory Services, Illumina
Classification: Uncertain significance for Renal hypodysplasia/aplasia 1. Last evaluated: 2018-01-13. Review status: criteria provided, single submitter. Criteria: ICSL Variant Classification Criteria 13 December 2019. Collection method: clinical testing. Allele origin: germline.